The following is an entry in ClinVar:

ClinVar aggregate classification (germline): Likely pathogenic (1 of 4 stars; one submission).

Conditions:
Renal cysts and diabetes syndrome (RCAD). Also called: MATURITY-ONSET DIABETES OF THE YOUNG, TYPE 5; Familial hypoplastic, glomerulocystic kidney. Identifiers: Orphanet 93111, MedGen C0431693, MONDO:0007669, OMIM 137920.

Submission:

Variantyx, Inc.
Classification: Likely pathogenic for Renal cysts and diabetes syndrome. Last evaluated: 2025-07-03. Review status: criteria provided, single submitter. Criteria: Variantyx Assertion Criteria 2022. Collection method: clinical testing. Allele origin: de novo. Inheritance: Autosomal dominant inheritance. Affected: yes.
Comment: This is a splicing variant in the HNF1B gene (OMIM: 189907). Pathogenic variants in this gene have been associated with autosomal dominant renal cysts and diabetes syndrome. It has been previously reported in at least one affected individual (PMID: 30666461) (PS4). Algorithms that predict the potential impact of sequence variants on RNA splicing suggest that this variant may disrupt normal splicing (PP3). This variant is absent from control populations (PM2). Based on the current evidence, this variant is classified as likely pathogenic for autosomal dominant renal cysts and diabetes syndrome.

Literature cited by the submitters: PubMed 30666461.

NM_000458.4(HNF1B):c.1339+3_1339+6del

Gene: HNF1B (HNF1 homeobox B; minus strand). Cytogenetic location: 17q12.
Variant type: Microsatellite.
Coding change: c.1339+3_1339+6del on transcript NM_000458.4 (MANE Select); bases 3 to 6 of the intron after coding-DNA position 1339, 4 bases deleted (AAGT; older notation c.1339+3_1339+6delAAGT).
Molecular consequence: splice donor variant.
Genome position (GRCh38, 1-based): chr17:37,704,911-37,704,914, ACTT deleted on the plus strand (AAGT on the coding strand, the reverse complement: HNF1B is on the minus strand); deleting any 4 consecutive bases within chr17:37,704,911-37,704,918 gives the same sequence; the c. name uses the placement nearest the transcript's 3' end. VCF-style (leftmost placement, unchanged base first): chr17-37704910-AACTT-A. GRCh37 (hg19) VCF-style: chr17-36064917-AACTT-A.
Other names: c.1261+3_1261+6del (NM_001165923.4, NM_001304286.2); c.1339+3_1339+6del (NM_001411100.1); c.1339+3_1339+6delAAGT (NM_000458.4).
Identifiers: ClinVar variation 4850691 (VCV004850691.1).
Genomic context (GRCh38, chr17:37,704,910, plus strand): 5'-CACATTAATTTGCTTCCCATTCTTCTTCTCCCTGCCCCCAAGTTTTCCAACCAAGAATAG[AACTT>A]ACTTTGTGCAATTGCCATGACTCCAGAGAGGGGTGTCATGATGAGGTTTTGAGATTGCTG-3'